The following is an entry in ClinVar:

ClinVar aggregate classification (germline): Uncertain significance. Review status: criteria provided, multiple submitters, no conflicts (2 of 4 stars). 2 submissions from 2 submitters: Uncertain significance (2). Last evaluated 2025-06-12.

Conditions:
Hereditary breast ovarian cancer syndrome. Also called: Hereditary breast and ovarian cancer syndrome; Breast and ovarian cancer; BRCA1- and BRCA2-Associated Hereditary Breast and Ovarian Cancer; Hereditary breast and ovarian cancer syndrome (HBOC); Hereditary breast and/or ovarian cancer syndrome; Hereditary breast and ovarian cancer. Identifiers: Orphanet 145, MedGen C0677776, MeSH D061325, MONDO:0003582. Disease mechanism: loss of function.
Hereditary cancer-predisposing syndrome. Also called: Hereditary neoplastic syndrome; Neoplastic Syndromes, Hereditary; Hereditary Cancer Syndrome; Tumor predisposition. Identifiers: Orphanet 140162, MedGen C0027672, MeSH D009386, MONDO:0015356.

Allele frequency attached by ClinVar (database versions not stated): gnomAD exomes below 0.00001; 1000 Genomes Project 30x 0.00016.

Submissions (2):

Ambry Genetics
Classification: Uncertain significance for Hereditary cancer-predisposing syndrome. Last evaluated: 2025-06-12. Review status: criteria provided, single submitter. Criteria: Ambry Variant Classification Scheme 2023. Collection method: clinical testing. Allele origin: germline.
Comment: The p.L3232F variant (also known as c.9694C>T), located in coding exon 26 of the BRCA2 gene, results from a C to T substitution at nucleotide position 9694. The leucine at codon 3232 is replaced by phenylalanine, an amino acid with highly similar properties. This amino acid position is not well conserved in available vertebrate species. In addition, this alteration is predicted to be tolerated by in silico analysis. Based on the available evidence, the clinical significance of this variant remains unclear.

Labcorp Genetics (formerly Invitae), Labcorp
Classification: Uncertain significance for Hereditary breast ovarian cancer syndrome. Last evaluated: 2023-10-17. Review status: criteria provided, single submitter. Criteria: Invitae Variant Classification Sherloc (09022015). Collection method: clinical testing. Allele origin: germline.
Comment: This sequence change replaces leucine, which is neutral and non-polar, with phenylalanine, which is neutral and non-polar, at codon 3232 of the BRCA2 protein (p.Leu3232Phe). This variant is not present in population databases (gnomAD no frequency). This variant has not been reported in the literature in individuals affected with BRCA2-related conditions. Advanced modeling of protein sequence and biophysical properties (such as structural, functional, and spatial information, amino acid conservation, physicochemical variation, residue mobility, and thermodynamic stability) performed at Invitae indicates that this missense variant is not expected to disrupt BRCA2 protein function. In summary, the available evidence is currently insufficient to determine the role of this variant in disease. Therefore, it has been classified as a Variant of Uncertain Significance.

NM_000059.4(BRCA2):c.9694C>T (p.Leu3232Phe)

Gene: BRCA2 (BRCA2 DNA repair associated; plus strand). Cytogenetic location: 13q13.1.
Variant type: single nucleotide variant.
Coding change: c.9694C>T on transcript NM_000059.4 (MANE Select); coding-DNA position 9694, C replaced by T.
Protein change: p.Leu3232Phe; replaces leucine 3232 with phenylalanine.
Molecular consequence: missense variant. On other transcripts: non-coding transcript variant (1).
Genome position (GRCh38, 1-based): chr13:32,398,207, C>T. VCF-style: chr13-32398207-C-T. GRCh37 (hg19) VCF-style: chr13-32972344-C-T.
Other names: c.9598C>T, p.Leu3200Phe (NM_001406719.1); c.9643C>T, p.Leu3215Phe (NM_001406720.1); c.4762C>T, p.Leu1588Phe (NM_001406721.1); c.3277C>T, p.Leu1093Phe (NM_001406722.1); short protein forms L3215F, L3200F, L1093F, L1588F, L3232F.
Identifiers: ClinVar variation 2806957 (VCV002806957.2), dbSNP rs2137662923, ClinGen allele CA387765326.